The following is an entry in ClinVar:

NM_000219.6(KCNE1):c.149T>A (p.Val50Glu)

Gene: KCNE1 (potassium voltage-gated channel subfamily E regulatory subunit 1; minus strand). Cytogenetic location: 21q22.12.
Variant type: single nucleotide variant.
Coding change: c.149T>A on transcript NM_000219.6 (MANE Select); coding-DNA position 149, T replaced by A.
Protein change: p.Val50Glu; replaces valine 50 with glutamic acid.
Molecular consequence: missense variant.
Genome position (GRCh38, 1-based): chr21:34,449,486, A>T on the plus strand (T>A on the coding strand, the complement: KCNE1 is on the minus strand). VCF-style: chr21-34449486-A-T. GRCh37 (hg19) VCF-style: chr21-35821784-A-T.
Other names: c.149T>A, p.Val50Glu (NM_001127668.4, NM_001127669.4, NM_001127670.4 and 4 more transcripts); short protein forms V50E.
Identifiers: ClinVar variation 3374173 (VCV003374173.2).

Conditions:
Long QT syndrome 5 (LQT5). Identifiers: Orphanet 101016, Orphanet 768, MedGen C1867904, MONDO:0013372, OMIM 613695.

Submission:

Roden Lab, Vanderbilt University Medical Center
No classification provided (evidence only). Condition: Long QT syndrome 5. Review status: no classification provided. Collection method: in vitro. Allele origin: not applicable. Functional consequence: Effect on ion channel function.
ClinVar note: "not provided" was previously submitted as the classification for the variant. However, the classification appeared to be based only on an observation of functional data so it was converted to no classification on 2025-07-30.